The following is an entry in ClinVar:

NM_001365276.2(TNXB):c.478C>G (p.Pro160Ala)

Gene: TNXB (tenascin XB; minus strand). Cytogenetic location: 6p21.33.
Variant type: single nucleotide variant.
Coding change: c.478C>G on transcript NM_001365276.2 (MANE Select); coding-DNA position 478, C replaced by G.
Protein change: p.Pro160Ala; replaces proline 160 with alanine.
Molecular consequence: missense variant.
Genome position (GRCh38, 1-based): chr6:32,097,375, G>C on the plus strand (C>G on the coding strand, the complement: TNXB is on the minus strand). VCF-style: chr6-32097375-G-C. GRCh37 (hg19) VCF-style: chr6-32065152-G-C.
Other names: c.478C>G, p.Pro160Ala (NM_001428335.1, NM_019105.8); short protein forms P160A.
Identifiers: ClinVar variation 4865849 (VCV004865849.2).

ClinVar aggregate classification (germline): Uncertain significance (1 of 4 stars; one submission).

Conditions:
Cardiovascular phenotype. Identifiers: MedGen CN230736.

gnomAD v4.1: 1 of 1,611,628 alleles (0.000062%); highest among the groups gnomAD compares: Non-Finnish European, 0.000085%; no homozygotes.

Submission:

Ambry Genetics
Classification: Uncertain significance for Cardiovascular phenotype. Last evaluated: 2026-07-17. Review status: criteria provided, single submitter. Criteria: Ambry Variant Classification Scheme 2023. Collection method: clinical testing. Allele origin: germline.
Comment: The p.P160A variant (also known as c.478C>G), located in coding exon 2 of the TNXB gene, results from a C to G substitution at nucleotide position 478. The proline at codon 160 is replaced by alanine, an amino acid with highly similar properties. This amino acid position is conserved. In addition, this alteration is predicted to be tolerated by in silico analysis. Based on the available evidence, the clinical significance of this variant remains unclear.